The following is an entry in ClinVar:

NM_002047.4(GARS1):c.1904-19del

Gene: GARS1 (glycyl-tRNA synthetase 1; plus strand). Cytogenetic location: 7p14.3.
Variant type: Deletion.
Coding change: c.1904-19del on transcript NM_002047.4 (MANE Select); 19 bases into the intron before coding-DNA position 1904, one base deleted (C; older notation c.1904-19delC).
Molecular consequence: intron variant.
Genome position (GRCh38, 1-based): chr7:30,632,228, C deleted. VCF-style (leftmost placement, unchanged base first): chr7-30632227-AC-A. GRCh37 (hg19) VCF-style: chr7-30671843-AC-A.
Other names: c.1904-19del (LRG_243t1); c.1742-19del (NM_001316772.1).
Identifiers: ClinVar variation 420733 (VCV000420733.6), dbSNP rs745958570, ClinGen allele CA4206115.

ClinVar aggregate classification (germline): Likely benign. Review status: criteria provided, multiple submitters, no conflicts (2 of 4 stars). 3 submissions from 3 submitters: Likely benign (3). Last evaluated 2025-04-22.

Conditions:
Charcot-Marie-Tooth disease. Also called: Charcot-Marie-Tooth Neuropathy; Charcot-Marie-Tooth Hereditary Neuropathy. Identifiers: Orphanet 166, MedGen C0007959, MONDO:0015626.
Charcot-Marie-Tooth disease type 2. Also called: Charcot-Marie-Tooth type 2. Identifiers: Orphanet 64746, MedGen C0270914, MONDO:0018993.

Allele frequency attached by ClinVar (database versions not stated): gnomAD exomes 0.00002 and 0.00003; TOPMed 0.00007; gnomAD 0.00005; ExAC 0.00003.

Submissions (3):

Labcorp Genetics (formerly Invitae), Labcorp
Classification: Likely benign for Charcot-Marie-Tooth disease type 2. Last evaluated: 2025-04-22. Review status: criteria provided, single submitter. Criteria: Invitae Variant Classification Sherloc (09022015). Collection method: clinical testing. Allele origin: germline.

GeneDx
Classification: Likely benign. Last evaluated: 2016-04-04. Review status: criteria provided, single submitter. Criteria: GeneDx Variant Classification (06012015). Collection method: clinical testing. Allele origin: germline. Affected: yes.
Comment: This variant is considered likely benign or benign based on one or more of the following criteria: it is a conservative change, it occurs at a poorly conserved position in the protein, it is predicted to be benign by multiple in silico algorithms, and/or has population frequency not consistent with disease.

Molecular Genetics Laboratory, London Health Sciences Centre
Classification: Likely benign for Charcot-Marie-Tooth disease. Review status: criteria provided, single submitter. Criteria: ACMG Guidelines, 2015. Collection method: clinical testing. Allele origin: germline. Affected: yes.